The following is an entry in ClinVar:

NM_138694.4(PKHD1):c.8440+1G>A

Gene: PKHD1 (PKHD1 ciliary IPT domain containing fibrocystin/polyductin; minus strand). Cytogenetic location: 6p12.3.
Variant type: single nucleotide variant.
Coding change: c.8440+1G>A on transcript NM_138694.4 (MANE Select); the canonical splice donor site of the intron after coding-DNA position 8440, G replaced by A.
Molecular consequence: splice donor variant.
Genome position (GRCh38, 1-based): chr6:51,791,235, C>T on the plus strand (G>A on the coding strand, the complement: PKHD1 is on the minus strand). VCF-style: chr6-51791235-C-T. GRCh37 (hg19) VCF-style: chr6-51656033-C-T.
Other names: c.8440+1G>A (NM_170724.3).
Identifiers: ClinVar variation 947645 (VCV000947645.9), dbSNP rs1793689014, ClinGen allele CA364441213.

ClinVar aggregate classification (germline): Likely pathogenic. Review status: criteria provided, multiple submitters, no conflicts (2 of 4 stars). 2 submissions from 2 submitters: Likely pathogenic (2). Last evaluated 2025-01-22.

Conditions:
Autosomal recessive polycystic kidney disease (ARPKD). Also called: AR polycystic kidney disease. Identifiers: Orphanet 731, Orphanet 8378, MedGen C0085548, MeSH D017044, MONDO:0009889.

Submissions (2):

Natera, Inc.
Classification: Likely pathogenic for Autosomal recessive polycystic kidney disease. Last evaluated: 2025-01-22. Review status: criteria provided, single submitter. Criteria: Natera Variant Classification Schema (03/2026). Collection method: clinical testing. Allele origin: germline.
Comment: The c.8440+1G>A variant in PKHD1 is a canonical splice donor site variant predicted to affect pre-mRNA splicing, which may result in an abnormal transcript and altered protein product. This variant is expected to result in nonsense mediated decay, truncation, or a dysfunctional protein product. This variant is rare in the general population with a frequency below the threshold expected for the associated phenotype(s). Given the available evidence, this variant is classified as Likely Pathogenic.

Labcorp Genetics (formerly Invitae), Labcorp
Classification: Likely pathogenic for Autosomal recessive polycystic kidney disease. Last evaluated: 2019-07-07. Review status: criteria provided, single submitter. Criteria: Invitae Variant Classification Sherloc (09022015). Collection method: clinical testing. Allele origin: germline.
Comment: In summary, the currently available evidence indicates that the variant is pathogenic, but additional data are needed to prove that conclusively. Therefore, this variant has been classified as Likely Pathogenic. Donor and acceptor splice site variants typically lead to a loss of protein function (PMID: 16199547), and loss-of-function variants in PKHD1 are known to be pathogenic (PMID: 19940839). Algorithms developed to predict the effect of sequence changes on RNA splicing suggest that this variant may disrupt the consensus splice site, but this prediction has not been confirmed by published transcriptional studies. This variant has not been reported in the literature in individuals with PKHD1-related conditions. This variant is not present in population databases (ExAC no frequency). This sequence change affects a donor splice site in intron 53 of the PKHD1 gene. It is expected to disrupt RNA splicing and likely results in an absent or disrupted protein product.

Literature cited by the submitters: PubMed 16199547 (cited by Labcorp Genetics (formerly Invitae), Labcorp); PubMed 19940839 (cited by Labcorp Genetics (formerly Invitae), Labcorp).